The following is an entry in ClinVar:

NM_014915.3(ANKRD26):c.1051T>C (p.Ser351Pro)

Gene: ANKRD26 (ankyrin repeat domain 26; minus strand). Cytogenetic location: 10p12.1.
Variant type: single nucleotide variant.
Coding change: c.1051T>C on transcript NM_014915.3 (MANE Select); coding-DNA position 1051, T replaced by C.
Protein change: p.Ser351Pro; replaces serine 351 with proline.
Molecular consequence: missense variant.
Genome position (GRCh38, 1-based): chr10:27,077,364, A>G on the plus strand (T>C on the coding strand, the complement: ANKRD26 is on the minus strand). VCF-style: chr10-27077364-A-G. GRCh37 (hg19) VCF-style: chr10-27366293-A-G.
Other names: c.1051T>C, p.Ser351Pro (NM_001256053.2); short protein forms S351P.
Identifiers: ClinVar variation 4579184 (VCV004579184.1).

ClinVar aggregate classification (germline): Uncertain significance (1 of 4 stars; one submission).

Conditions:
Inborn genetic diseases. Identifiers: MedGen C0950123, MeSH D030342.

Submission:

Ambry Genetics
Classification: Uncertain significance for Inborn genetic diseases. Last evaluated: 2025-10-06. Review status: criteria provided, single submitter. Criteria: Ambry Variant Classification Scheme 2023. Collection method: clinical testing. Allele origin: germline.
Comment: The p.S351P variant (also known as c.1051T>C), located in coding exon 9 of the ANKRD26 gene, results from a T to C substitution at nucleotide position 1051. The serine at codon 351 is replaced by proline, an amino acid with similar properties. This amino acid position is conserved. In addition, this alteration is predicted to be tolerated by in silico analysis. Based on the available evidence, the clinical significance of this variant remains unclear.